The following is an entry in ClinVar:

ClinVar aggregate classification (germline): Uncertain significance (1 of 4 stars; one submission).

Conditions:
Hereditary cancer-predisposing syndrome. Also called: Tumor predisposition; Hereditary Cancer Syndrome; Neoplastic Syndromes, Hereditary; Hereditary neoplastic syndrome. Identifiers: Orphanet 140162, MedGen C0027672, MeSH D009386, MONDO:0015356.

Submission:

Ambry Genetics
Classification: Uncertain significance for Hereditary cancer-predisposing syndrome. Last evaluated: 2022-04-25. Review status: criteria provided, single submitter. Criteria: Ambry Variant Classification Scheme 2023. Collection method: clinical testing. Allele origin: germline.
Comment: The p.H852N variant (also known as c.2554C>A), located in coding exon 15 of the PMS2 gene, results from a C to A substitution at nucleotide position 2554. The histidine at codon 852 is replaced by asparagine, an amino acid with similar properties. This amino acid position is conserved. In addition, the in silico prediction for this alteration is inconclusive. Since supporting evidence is limited at this time, the clinical significance of this alteration remains unclear.

NM_000535.7(PMS2):c.2554C>A (p.His852Asn)

Gene: PMS2 (PMS1 homolog 2, mismatch repair system component; minus strand). Cytogenetic location: 7p22.1.
Variant type: single nucleotide variant.
Coding change: c.2554C>A on transcript NM_000535.7 (MANE Select); coding-DNA position 2554, C replaced by A.
Protein change: p.His852Asn; replaces histidine 852 with asparagine.
Molecular consequence: missense variant. On other transcripts: non-coding transcript variant (1).
Genome position (GRCh38, 1-based): chr7:5,973,434, G>T on the plus strand (C>A on the coding strand, the complement: PMS2 is on the minus strand). VCF-style: chr7-5973434-G-T. GRCh37 (hg19) VCF-style: chr7-6013065-G-T.
Other names: c.1981C>A, p.His661Asn (NM_001406909.1, NM_001322013.2, NM_001406908.1); c.1837C>A, p.His613Asn (NM_001406910.1); c.1783C>A, p.His595Asn (NM_001406911.1); c.1351C>A, p.His451Asn (NM_001406912.1); c.2149C>A, p.His717Asn (NM_001018040.1, NM_001322003.2, NM_001322004.2 and 12 more transcripts); c.2398C>A, p.His800Asn (NM_001322006.2); c.2236C>A, p.His746Asn (NM_001322007.2, NM_001322008.2, NM_001406883.1); c.2182C>A, p.His728Asn (NM_001322009.2, NM_001406887.1, NM_001406888.1); and 20 more; short protein forms H541N, H595N, H613N, H694N, H740N, H746N, H749N, H757N.
Identifiers: ClinVar variation 1792991 (VCV001792991.2), dbSNP rs754350493, ClinGen allele CA366734805.
Genomic context (GRCh38, chr7:5,973,434, plus strand): 5'-CAATTATTCCATACAGTGACTACGGTCAGTTCTGAGAAATGACACCCAGGTTGGCGATGT[G>T]TCTCATGGTTGGCCTTCCATGGGGACAGTTCCAGGGGTGGTCCATCTCCCCCATGTGGGT-3'
Protein context (NP_000526.2, residues 842-862): NCPHGRPTMR[His852Asn]IANLGVISQN